The following is an entry in ClinVar:

NM_032043.3(BRIP1):c.2549G>A (p.Arg850Lys)

Gene: BRIP1 (BRCA1 interacting DNA helicase 1; minus strand). Cytogenetic location: 17q23.2.
Variant type: single nucleotide variant.
Coding change: c.2549G>A on transcript NM_032043.3 (MANE Select); coding-DNA position 2549, G replaced by A.
Protein change: p.Arg850Lys; replaces arginine 850 with lysine.
Molecular consequence: missense variant.
Genome position (GRCh38, 1-based): chr17:61,693,456, C>T on the plus strand (G>A on the coding strand, the complement: BRIP1 is on the minus strand). VCF-style: chr17-61693456-C-T. GRCh37 (hg19) VCF-style: chr17-59770817-C-T.
Other names: short protein forms R850K.
Identifiers: ClinVar variation 934445 (VCV000934445.12), dbSNP rs2061477480, ClinGen allele CA400482394.

ClinVar aggregate classification (germline): Uncertain significance. Review status: criteria provided, multiple submitters, no conflicts (2 of 4 stars). 4 submissions from 4 submitters: Uncertain significance (4). Last evaluated 2025-02-25.

Conditions:
Hereditary cancer-predisposing syndrome. Also called: Tumor predisposition; Hereditary neoplastic syndrome; Neoplastic Syndromes, Hereditary; Hereditary Cancer Syndrome. Identifiers: Orphanet 140162, MedGen C0027672, MeSH D009386, MONDO:0015356.
Familial cancer of breast. Also called: hereditary breast carcinoma; BREAST CANCER, FAMILIAL; Hereditary breast cancer. Identifiers: Orphanet 227535, MedGen C0346153, MONDO:0016419, OMIM 114480. Disease mechanism: loss of function.
Fanconi anemia complementation group J. Also called: BRIP1-Related Fanconi Anemia. Identifiers: Orphanet 84, MedGen C1836860, MONDO:0012187, OMIM 609054.

Allele frequency attached by ClinVar (database versions not stated): gnomAD exomes below 0.00001; TOPMed below 0.00001.
gnomAD v4.1: 1 of 1,613,666 alleles (0.000062%); highest among the groups gnomAD compares: Non-Finnish European, 0.000085%; no homozygotes.

Submissions (4):

Color Diagnostics, LLC DBA Color Health
Classification: Uncertain significance for Hereditary cancer-predisposing syndrome. Last evaluated: 2025-02-25. Review status: criteria provided, single submitter. Criteria: ACMG Guidelines, 2015. Collection method: clinical testing. Allele origin: germline.
Comment: This missense variant replaces arginine with lysine at codon 850 of the BRIP1 protein. Computational prediction suggests that this variant may not impact protein structure and function. To our knowledge, functional studies have not been reported for this variant. This variant has not been reported in individuals affected with BRIP1-related disorders in the literature. This variant has not been identified in the general population by the Genome Aggregation Database (gnomAD). The available evidence is insufficient to determine the role of this variant in disease conclusively. Therefore, this variant is classified as a Variant of Uncertain Significance.

Baylor Genetics
Classification: Uncertain significance for Familial cancer of breast. Last evaluated: 2023-08-05. Review status: criteria provided, single submitter. Criteria: ACMG Guidelines, 2015. Collection method: clinical testing. Allele origin: unknown.

Labcorp Genetics (formerly Invitae), Labcorp
Classification: Uncertain significance for Familial cancer of breast; Fanconi anemia complementation group J. Last evaluated: 2023-07-25. Review status: criteria provided, single submitter. Criteria: Invitae Variant Classification Sherloc (09022015). Collection method: clinical testing. Allele origin: germline.
Comment: In summary, the available evidence is currently insufficient to determine the role of this variant in disease. Therefore, it has been classified as a Variant of Uncertain Significance. This variant is not present in population databases (gnomAD no frequency). This variant has not been reported in the literature in individuals affected with BRIP1-related conditions. ClinVar contains an entry for this variant (Variation ID: 934445). Advanced modeling of protein sequence and biophysical properties (such as structural, functional, and spatial information, amino acid conservation, physicochemical variation, residue mobility, and thermodynamic stability) performed at Invitae indicates that this missense variant is not expected to disrupt BRIP1 protein function. This sequence change replaces arginine, which is basic and polar, with lysine, which is basic and polar, at codon 850 of the BRIP1 protein (p.Arg850Lys).

Ambry Genetics
Classification: Uncertain significance for Hereditary cancer-predisposing syndrome. Last evaluated: 2022-12-30. Review status: criteria provided, single submitter. Criteria: Ambry Variant Classification Scheme 2023. Collection method: clinical testing. Allele origin: germline.
Comment: The p.R850K variant (also known as c.2549G>A), located in coding exon 17 of the BRIP1 gene, results from a G to A substitution at nucleotide position 2549. The arginine at codon 850 is replaced by lysine, an amino acid with highly similar properties. This amino acid position is conserved. In addition, this alteration is predicted to be tolerated by in silico analysis. Since supporting evidence is limited at this time, the clinical significance of this alteration remains unclear.